The following is an entry in ClinVar:

ClinVar aggregate classification (germline): Uncertain significance (1 of 4 stars; one submission).

Conditions:
Autosomal dominant nonsyndromic hearing loss 1. Also called: KONIGSMARK SYNDROME; DEAFNESS, AUTOSOMAL DOMINANT 1, WITH OR WITHOUT THROMBOCYTOPENIA. Identifiers: Orphanet 90635, MedGen C1852282, MONDO:0007424, OMIM 124900.
Progressive microcephaly-seizures-cortical blindness-developmental delay syndrome. Also called: Seizures, cortical blindness, and microcephaly syndrome. Identifiers: Orphanet 477814, MedGen C5567650, MONDO:0014714, OMIM 616632.

Allele frequency attached by ClinVar (database versions not stated): TOPMed below 0.00001; gnomAD 0.00001.
gnomAD v4.1: 3 of 1,614,046 alleles (0.00019%); highest among the groups gnomAD compares: African/African-American, 0.0027%; no homozygotes.

Submission:

Labcorp Genetics (formerly Invitae), Labcorp
Classification: Uncertain significance for Progressive microcephaly-seizures-cortical blindness-developmental delay syndrome; Autosomal dominant nonsyndromic hearing loss 1. Last evaluated: 2023-11-07. Review status: criteria provided, single submitter. Criteria: Invitae Variant Classification Sherloc (09022015). Collection method: clinical testing. Allele origin: germline.
Comment: This sequence change replaces leucine, which is neutral and non-polar, with valine, which is neutral and non-polar, at codon 1114 of the DIAPH1 protein (p.Leu1114Val). This variant is not present in population databases (gnomAD no frequency). This variant has not been reported in the literature in individuals affected with DIAPH1-related conditions. ClinVar contains an entry for this variant (Variation ID: 1365372). An algorithm developed to predict the effect of missense changes on protein structure and function (PolyPhen-2) suggests that this variant is likely to be disruptive. In summary, the available evidence is currently insufficient to determine the role of this variant in disease. Therefore, it has been classified as a Variant of Uncertain Significance.

NM_005219.5(DIAPH1):c.3340C>G (p.Leu1114Val)

Gene: DIAPH1 (diaphanous related formin 1; minus strand). Cytogenetic location: 5q31.3.
Variant type: single nucleotide variant.
Coding change: c.3340C>G on transcript NM_005219.5 (MANE Select); coding-DNA position 3340, C replaced by G.
Protein change: p.Leu1114Val; replaces leucine 1114 with valine.
Molecular consequence: missense variant.
Genome position (GRCh38, 1-based): chr5:141,526,395, G>C on the plus strand (C>G on the coding strand, the complement: DIAPH1 is on the minus strand). VCF-style: chr5-141526395-G-C. GRCh37 (hg19) VCF-style: chr5-140905962-G-C.
Other names: c.3313C>G, p.Leu1105Val (NM_001079812.3); c.3340C>G, p.Leu1114Val (NM_001314007.2); short protein forms L1105V, L1114V.
Identifiers: ClinVar variation 1365372 (VCV001365372.8), dbSNP rs1283993189, ClinGen allele CA361578937.